The following is an entry in ClinVar:

NM_005359.6(SMAD4):c.819dup (p.Ala274fs)

Gene: SMAD4 (SMAD family member 4; plus strand). Cytogenetic location: 18q21.2.
Variant type: Duplication.
Coding change: c.819dup on transcript NM_005359.6 (MANE Select); coding-DNA position 819, one base duplicated (T; older notation c.819dupT).
Protein change: p.Ala274fs; shifts the reading frame from alanine 274.
Molecular consequence: frameshift variant. On other transcripts: non-coding transcript variant (2).
Genome position (GRCh38, 1-based): chr18:51,058,371, T duplicated. VCF-style (leftmost placement, unchanged base first): chr18-51058370-C-CT. GRCh37 (hg19) VCF-style: chr18-48584740-C-CT.
Other names: c.819dup, p.Ala274fs (NM_001407041.1, NM_001407042.1, NM_001407043.1); short protein forms A274fs.
Identifiers: ClinVar variation 2827104 (VCV002827104.3), dbSNP rs2511377220, ClinGen allele CA2739268742.

ClinVar aggregate classification (germline): Pathogenic (1 of 4 stars; one submission).

Conditions:
Juvenile polyposis syndrome (JPS). Identifiers: Orphanet 2929, MedGen C0345893, MONDO:0017380, OMIM 174900.

Submission:

Labcorp Genetics (formerly Invitae), Labcorp
Classification: Pathogenic for Juvenile polyposis syndrome. Last evaluated: 2023-07-16. Review status: criteria provided, single submitter. Criteria: Invitae Variant Classification Sherloc (09022015). Collection method: clinical testing. Allele origin: germline.
Comment: This variant is not present in population databases (gnomAD no frequency). For these reasons, this variant has been classified as Pathogenic. This variant has not been reported in the literature in individuals affected with SMAD4-related conditions. This sequence change creates a premature translational stop signal (p.Ala274Cysfs*6) in the SMAD4 gene. It is expected to result in an absent or disrupted protein product. Loss-of-function variants in SMAD4 are known to be pathogenic (PMID: 16152648, 16436638, 22810475).

Literature cited by the submitters: PubMed 16152648; PubMed 16436638; PubMed 22810475.